The following is an entry in ClinVar:

ClinVar aggregate classification (germline): Uncertain significance. Review status: criteria provided, multiple submitters, no conflicts (2 of 4 stars). 11 submissions from 10 submitters: Uncertain significance (10). 1 of the submissions does not count toward it. Last evaluated 2025-12-23.

Conditions:
Focal segmental glomerulosclerosis (FSGS). Also called: Glomerulosclerosis, focal; Focal sclerosis with hyalinosis. Identifiers: MedGen C0017668, MONDO:0100313, HP:0000097. Disease mechanism: loss of function.
Inborn genetic diseases. Identifiers: MedGen C0950123, MeSH D030342.
Sialic acid storage disease, severe infantile type (ISSD). Also called: N-ACETYLNEURAMINIC ACID STORAGE DISEASE; NANA STORAGE DISEASE; SIALURIA, INFANTILE FORM; Free sialic acid storage disease, infantile form; INFANTILE SIALIC ACID STORAGE DISORDER; Infantile Sialic Acid Storage Disease. Identifiers: Orphanet 309324, Orphanet 834, MedGen C1096902, MONDO:0010027, OMIM 269920.
Salla disease (SD). Also called: Less Severe FSASD (Salla Disease); Sialuria, Finnish type; N-acetylneuraminic acid (NANA) storage disease (NSD); Infantile sialic acid storage disorder (ISSD). Identifiers: Orphanet 309334, Orphanet 834, MedGen C1096903, MONDO:0011449, OMIM 604369.

Allele frequency attached by ClinVar (database versions not stated): gnomAD 0.00035 and 0.00037; TOPMed 0.00061; gnomAD exomes 0.00016 and 0.00022; ESP Exome Variant Server 0.00031; ExAC 0.00012.
gnomAD v4.1: 380 of 1,613,928 alleles (0.024%); highest among the groups gnomAD compares: Admixed American, 0.072%; 1 homozygote.

Submissions (11):

Women's Health and Genetics/Laboratory Corporation of America, LabCorp
Classification: Uncertain significance. Last evaluated: 2025-12-23. Review status: criteria provided, single submitter. Criteria: LabCorp Variant Classification Summary - May 2015. Collection method: clinical testing. Allele origin: germline.
Comment: Variant summary: SLC17A5 c.1177G>A (p.Val393Ile) results in a conservative amino acid change in the encoded protein sequence. Algorithms developed to predict the effect of missense changes on protein structure and function are either unavailable or do not agree on the potential impact of this missense change. The variant allele was found at a frequency of 0.00016 in 251466 control chromosomes. This frequency is not significantly higher than estimated for disease-causing variants in SLC17A5, allowing no conclusion about variant significance. To our knowledge, no occurrence of c.1177G>A in individuals affected with SLC17A5-related conditions and no experimental evidence demonstrating its impact on protein function have been reported. ClinVar contains an entry for this variant (Variation ID: 558967). Based on the evidence outlined above, the variant was classified as uncertain significance.

Mayo Clinic Laboratories, Mayo Clinic
Classification: Uncertain significance. Last evaluated: 2025-10-20. Review status: criteria provided, single submitter. Criteria: ACMG Guidelines, 2015. Collection method: clinical testing. Allele origin: germline. Observed: 2 variant alleles.
Comment: BP4_moderate

Labcorp Genetics (formerly Invitae), Labcorp
Classification: Uncertain significance for Salla disease. Last evaluated: 2022-10-13. Review status: criteria provided, single submitter. Criteria: Invitae Variant Classification Sherloc (09022015). Collection method: clinical testing. Allele origin: germline.
Comment: This sequence change replaces valine, which is neutral and non-polar, with isoleucine, which is neutral and non-polar, at codon 393 of the SLC17A5 protein (p.Val393Ile). This variant is present in population databases (rs140060360, gnomAD 0.03%). This variant has not been reported in the literature in individuals affected with SLC17A5-related conditions. ClinVar contains an entry for this variant (Variation ID: 558967). Advanced modeling of protein sequence and biophysical properties (such as structural, functional, and spatial information, amino acid conservation, physicochemical variation, residue mobility, and thermodynamic stability) performed at Invitae indicates that this missense variant is not expected to disrupt SLC17A5 protein function. In summary, the available evidence is currently insufficient to determine the role of this variant in disease. Therefore, it has been classified as a Variant of Uncertain Significance.

Ambry Genetics
Classification: Uncertain significance for Inborn genetic diseases. Last evaluated: 2022-09-05. Review status: criteria provided, single submitter. Criteria: Ambry Variant Classification Scheme 2023. Collection method: clinical testing. Allele origin: germline.

Department of Pathology and Laboratory Medicine, Sinai Health System
Classification: Uncertain significance for Sialic acid storage disease, severe infantile type; Salla disease. Last evaluated: 2022-03-15. Review status: criteria provided, single submitter. Criteria: ACMG Guidelines, 2015. Collection method: research. Allele origin: germline.

Genome-Nilou Lab
Classification: Uncertain significance for Salla disease. Last evaluated: 2021-09-05. Review status: criteria provided, single submitter. Criteria: ACMG Guidelines, 2015. Collection method: clinical testing. Allele origin: germline. Affected: no.

UNC Molecular Genetics  Laboratory, University of North Carolina at Chapel Hill
Classification: Uncertain significance for Focal segmental glomerulosclerosis. Last evaluated: 2021-02-15. Review status: criteria provided, single submitter. Criteria: ACMG Guidelines, 2015. Collection method: clinical testing. Allele origin: germline. Affected: yes. Observed: 1 heterozygote.

GeneDx
Classification: Uncertain significance. Last evaluated: 2021-01-20. Review status: criteria provided, single submitter. Criteria: GeneDx Variant Classification Process June 2021. Collection method: clinical testing. Allele origin: germline. Affected: yes.
Comment: In silico analysis, which includes protein predictors and evolutionary conservation, supports that this variant does not alter protein structure/function; Reported in association with Parkinson disease, however, additional information was not provided and the variant was observed in unaffected control individuals (Robak et al., 2017); This variant is associated with the following publications: (PMID: 29140481)

Illumina Laboratory Services, Illumina
Classification: Uncertain significance for Salla disease. Last evaluated: 2018-01-13. Review status: criteria provided, single submitter. Criteria: ICSL Variant Classification Criteria 13 December 2019. Collection method: clinical testing. Allele origin: germline.

Illumina Laboratory Services, Illumina
Classification: Uncertain significance for Sialic acid storage disease, severe infantile type. Last evaluated: 2018-01-13. Review status: criteria provided, single submitter. Criteria: ICSL Variant Classification Criteria 13 December 2019. Collection method: clinical testing. Allele origin: germline.

Natera, Inc.
Classification: Uncertain significance for Salla disease. Last evaluated: 2020-09-16. Review status: no assertion criteria provided. Collection method: clinical testing. Allele origin: germline. Not counted in ClinVar's aggregate classification.

Literature cited by the submitters: PubMed 29140481 (cited by Mayo Clinic Laboratories, Mayo Clinic and Ambry Genetics).

NM_012434.5(SLC17A5):c.1177G>A (p.Val393Ile)

Gene: SLC17A5 (solute carrier family 17 member 5; minus strand). Cytogenetic location: 6q13.
Variant type: single nucleotide variant.
Coding change: c.1177G>A on transcript NM_012434.5 (MANE Select); coding-DNA position 1177, G replaced by A.
Protein change: p.Val393Ile; replaces valine 393 with isoleucine.
Molecular consequence: missense variant.
Genome position (GRCh38, 1-based): chr6:73,610,482, C>T on the plus strand (G>A on the coding strand, the complement: SLC17A5 is on the minus strand). VCF-style: chr6-73610482-C-T. GRCh37 (hg19) VCF-style: chr6-74320205-C-T.
Other names: p.Val393Ile; short protein forms V393I.
Identifiers: ClinVar variation 558967 (VCV000558967.23), dbSNP rs140060360, ClinGen allele CA3890325.